The following is an entry in ClinVar:

ClinVar aggregate classification (germline): Uncertain significance. Review status: criteria provided, multiple submitters, no conflicts (2 of 4 stars). 4 submissions from 4 submitters: Uncertain significance (4). Last evaluated 2025-06-23.

Conditions:
Inborn genetic diseases. Identifiers: MedGen C0950123, MeSH D030342.
Pitt-Hopkins-like syndrome 2 (PTHSL2). Identifiers: Orphanet 221150, Orphanet 600663, MedGen C3280479, MONDO:0013690, OMIM 614325.

Allele frequency attached by ClinVar (database versions not stated): gnomAD 0.00001 and 0.00006; TOPMed 0.00002; gnomAD exomes 0.00009 and 0.00022; 1000 Genomes Project 30x 0.00031; ExAC 0.00031; 1000 Genomes Project 0.00040.
gnomAD v4.1: 137 of 1,612,050 alleles (0.0085%); highest among the groups gnomAD compares: South Asian, 0.14%; 1 homozygote.

Submissions (4):

Labcorp Genetics (formerly Invitae), Labcorp
Classification: Uncertain significance for Pitt-Hopkins-like syndrome 2. Last evaluated: 2025-06-23. Review status: criteria provided, single submitter. Criteria: Invitae Variant Classification Sherloc (09022015). Collection method: clinical testing. Allele origin: germline.
Comment: This sequence change replaces valine, which is neutral and non-polar, with alanine, which is neutral and non-polar, at codon 174 of the NRXN1 protein (p.Val174Ala). This variant is present in population databases (rs545577149, gnomAD 0.2%). This variant has not been reported in the literature in individuals affected with NRXN1-related conditions. ClinVar contains an entry for this variant (Variation ID: 336554). An algorithm developed to predict the effect of missense changes on protein structure and function (PolyPhen-2) suggests that this variant is likely to be tolerated. In summary, the available evidence is currently insufficient to determine the role of this variant in disease. Therefore, it has been classified as a Variant of Uncertain Significance.

GeneDx
Classification: Uncertain significance. Last evaluated: 2024-11-05. Review status: criteria provided, single submitter. Criteria: GeneDx Variant Classification Process June 2021. Collection method: clinical testing. Allele origin: germline. Affected: yes.
Comment: In silico analysis supports that this missense variant has a deleterious effect on protein structure/function; Has not been previously published as pathogenic or benign to our knowledge

Ambry Genetics
Classification: Uncertain significance for Inborn genetic diseases. Last evaluated: 2020-11-06. Review status: criteria provided, single submitter. Criteria: Ambry Variant Classification Scheme 2023. Collection method: clinical testing. Allele origin: germline.
Comment: The p.V174A variant (also known as c.521T>C), located in coding exon 1 of the NRXN1 gene, results from a T to C substitution at nucleotide position 521. The valine at codon 174 is replaced by alanine, an amino acid with similar properties. This amino acid position is well conserved in available vertebrate species. In addition, the in silico prediction for this alteration is inconclusive. Since supporting evidence is limited at this time, the clinical significance of this alteration remains unclear.

Illumina Laboratory Services, Illumina
Classification: Uncertain significance for Pitt-Hopkins-like syndrome 2. Last evaluated: 2018-01-12. Review status: criteria provided, single submitter. Criteria: ICSL Variant Classification Criteria 13 December 2019. Collection method: clinical testing. Allele origin: germline.

NM_001330078.2(NRXN1):c.521T>C (p.Val174Ala)

Gene: NRXN1 (neurexin 1; minus strand). Cytogenetic location: 2p16.3.
Variant type: single nucleotide variant.
Coding change: c.521T>C on transcript NM_001330078.2 (MANE Select); coding-DNA position 521, T replaced by C.
Protein change: p.Val174Ala; replaces valine 174 with alanine.
Molecular consequence: missense variant.
Genome position (GRCh38, 1-based): chr2:51,027,753, A>G on the plus strand (T>C on the coding strand, the complement: NRXN1 is on the minus strand). VCF-style: chr2-51027753-A-G. GRCh37 (hg19) VCF-style: chr2-51254891-A-G.
Other names: c.521T>C, p.Val174Ala (NM_001135659.3, NM_001330077.2, NM_001330079.2 and 15 more transcripts); short protein forms V174A.
Identifiers: ClinVar variation 336554 (VCV000336554.17), dbSNP rs545577149, ClinGen allele CA1655464.
Genomic context (GRCh38, chr2:51,027,753, plus strand): 5'-ACCTGCGAGGAGTTGACCCTCACGTCACGAATCCACCCCTTGAAGGGCTCCCGCTCCCTC[A>G]CCGAGGCCAGGGTGAGCTTGAGCGCCGCGGCGCGCAGTTCCGGGGGCAGCCCCCCGACGA-3'
Protein context (NP_001317007.1, residues 164-184): AAALKLTLAS[Val174Ala]REREPFKGWI